The following is an entry in ClinVar:

ClinVar aggregate classification (germline): Pathogenic (0 of 4 stars; one submission).

Submission:

GenMed Metabolism Lab
Classification: Pathogenic. Review status: no assertion criteria provided. Collection method: not provided. Allele origin: unknown.
Comment: p.Tyr55Asp, Late
ClinVar note: Converted during submission from pathogenic to Pathogenic.

NM_000531.6(OTC):c.163T>G (p.Tyr55Asp)

Gene: OTC (ornithine transcarbamylase; plus strand). Cytogenetic location: Xp11.4.
Variant type: single nucleotide variant.
Coding change: c.163T>G on transcript NM_000531.6 (MANE Select); coding-DNA position 163, T replaced by G.
Protein change: p.Tyr55Asp; replaces tyrosine 55 with aspartic acid.
Molecular consequence: missense variant.
Genome position (GRCh38, 1-based): chrX:38,367,376, T>G. VCF-style: chrX-38367376-T-G. GRCh37 (hg19) VCF-style: chrX-38226629-T-G.
Other names: short protein forms Y55D.
Identifiers: ClinVar variation 97124 (VCV000097124.2), dbSNP rs72554319, ClinGen allele CA224486.
Genomic context (GRCh38, chrX:38,367,376, plus strand): 5'-GTGCAGCTGAAGGGCCGTGACCTTCTCACTCTAAAAAACTTTACCGGAGAAGAAATTAAA[T>G]ATATGCTATGGCTATCAGCAGATCTGAAATTTAGGATAAAACAGAAAGGAGAGGTATGTA-3'
Protein context (NP_000522.3, residues 45-65): LKNFTGEEIK[Tyr55Asp]MLWLSADLKF